The following is an entry in ClinVar:

ClinVar aggregate classification (germline): Likely benign. Review status: criteria provided, multiple submitters, no conflicts (2 of 4 stars). 3 submissions from 3 submitters: Likely benign (3). Last evaluated 2026-01-28.

Conditions:
Episodic ataxia type 2 (EA2). Also called: ACETAZOLAMIDE-RESPONSIVE HEREDITARY PAROXYSMAL CEREBELLAR ATAXIA; ATAXIA, EPISODIC, WITH NYSTAGMUS; ATAXIA, FAMILIAL PAROXYSMAL; CEREBELLAR ATAXIA, PAROXYSMAL, ACETAZOLAMIDE-RESPONSIVE; CEREBELLOPATHY, HEREDITARY PAROXYSMAL; EPISODIC ATAXIA, NYSTAGMUS-ASSOCIATED. Identifiers: Orphanet 97, MedGen C1720416, MONDO:0007163, OMIM 108500.
Developmental and epileptic encephalopathy, 42 (DEE42A). Also called: Epileptic encephalopathy, early infantile, 42; DEVELOPMENTAL AND EPILEPTIC ENCEPHALOPATHY 42A; EPILEPTIC ENCEPHALOPATHY, EARLY INFANTILE, 42A. Identifiers: MedGen C4310716, MONDO:0014917, OMIM 617106.

Allele frequency attached by ClinVar (database versions not stated): ESP Exome Variant Server 0.00023; TOPMed 0.00023.
gnomAD v4.1: 69 of 1,593,016 alleles (0.0043%); highest among the groups gnomAD compares: African/African-American, 0.055%; no homozygotes.

Submissions (3):

Labcorp Genetics (formerly Invitae), Labcorp
Classification: Likely benign for Developmental and epileptic encephalopathy, 42; Episodic ataxia type 2. Last evaluated: 2026-01-28. Review status: criteria provided, single submitter. Criteria: Invitae Variant Classification Sherloc (09022015). Collection method: clinical testing. Allele origin: germline.

Blueprint Genetics
Classification: Likely benign. Last evaluated: 2022-08-02. Review status: criteria provided, single submitter. Criteria: ACMG Guidelines, 2015. Collection method: clinical testing. Allele origin: germline.

GeneDx
Classification: Likely benign. Last evaluated: 2016-09-16. Review status: criteria provided, single submitter. Criteria: GeneDx Variant Classification (06012015). Collection method: clinical testing. Allele origin: germline. Affected: yes.
Comment: This variant is considered likely benign or benign based on one or more of the following criteria: it is a conservative change, it occurs at a poorly conserved position in the protein, it is predicted to be benign by multiple in silico algorithms, and/or has population frequency not consistent with disease.

NM_001127222.2(CACNA1A):c.5940+15G>A

Gene: CACNA1A (calcium voltage-gated channel subunit alpha1 A; minus strand). Cytogenetic location: 19p13.13.
Variant type: single nucleotide variant.
Coding change: c.5940+15G>A on transcript NM_001127222.2 (MANE Select); 15 bases into the intron after coding-DNA position 5940, G replaced by A.
Molecular consequence: intron variant.
Genome position (GRCh38, 1-based): chr19:13,214,218, C>T on the plus strand (G>A on the coding strand, the complement: CACNA1A is on the minus strand). VCF-style: chr19-13214218-C-T. GRCh37 (hg19) VCF-style: chr19-13325032-C-T.
Other names: c.5943+15G>A (NM_001127221.2); c.5949+15G>A (NM_001174080.2); c.5958+15G>A (NM_000068.4, NM_023035.3).
Identifiers: ClinVar variation 389119 (VCV000389119.10), dbSNP rs370364972, ClinGen allele CA9239533.